The following is an entry in ClinVar:

NM_033343.4(LHX4):c.385G>A (p.Glu129Lys)

Gene: LHX4 (LIM homeobox 4; plus strand). Cytogenetic location: 1q25.2.
Variant type: single nucleotide variant.
Coding change: c.385G>A on transcript NM_033343.4 (MANE Select); coding-DNA position 385, G replaced by A.
Protein change: p.Glu129Lys; replaces glutamic acid 129 with lysine.
Molecular consequence: missense variant.
Genome position (GRCh38, 1-based): chr1:180,266,528, G>A. VCF-style: chr1-180266528-G-A. GRCh37 (hg19) VCF-style: chr1-180235663-G-A.
Other names: short protein forms E129K.
Identifiers: ClinVar variation 727667 (VCV000727667.11), dbSNP rs150875319, ClinGen allele CA1271869.

ClinVar aggregate classification (germline): Benign. Review status: criteria provided, single submitter (1 of 4 stars). 2 submissions from 2 submitters: Benign (1). 1 of the submissions does not count toward it. Last evaluated 2020-12-14.

Conditions:
LHX4-related disorder. Also called: LHX4-related condition.

Allele frequency attached by ClinVar (database versions not stated): gnomAD exomes 0.00041 and 0.00015; ESP Exome Variant Server 0.00154; 1000 Genomes Project 0.00200; gnomAD 0.00125 and 0.00134; ExAC 0.00047; TOPMed 0.00141; 1000 Genomes Project 30x 0.00203.

Submissions (2):

Labcorp Genetics (formerly Invitae), Labcorp
Classification: Benign. Last evaluated: 2020-12-14. Review status: criteria provided, single submitter. Criteria: Invitae Variant Classification Sherloc (09022015). Collection method: clinical testing. Allele origin: germline.

PreventionGenetics, part of Exact Sciences
Classification: Benign for LHX4-related condition. Last evaluated: 2024-03-07. Review status: no assertion criteria provided. Collection method: clinical testing. Allele origin: germline. Not counted in ClinVar's aggregate classification.
Comment: This variant is classified as benign based on ACMG/AMP sequence variant interpretation guidelines (Richards et al. 2015 PMID: 25741868, with internal and published modifications).